The following is an entry in ClinVar:

ClinVar aggregate classification (germline): Benign. Review status: criteria provided, multiple submitters, no conflicts (2 of 4 stars). 3 submissions from 3 submitters: Benign (3). Last evaluated 2018-08-09.

Conditions:
Hypophosphatasia. Also called: Phosphoethanol-aminuria. Identifiers: Orphanet 436, MedGen C0020630, MeSH D007014, MONDO:0018570.

Allele frequency attached by ClinVar (database versions not stated): 1000 Genomes Project 30x 0.33620; 1000 Genomes Project 0.33666; TOPMed 0.35509.
gnomAD v4.1: 600,152 of 1,545,704 alleles (39%); highest among the groups gnomAD compares: Admixed American, 43%; 118,531 homozygotes.

Submissions (3):

GeneDx
Classification: Benign. Last evaluated: 2018-08-09. Review status: criteria provided, single submitter. Criteria: GeneDx Variant Classification Process June 2021. Collection method: clinical testing. Allele origin: germline. Affected: yes.

Illumina Laboratory Services, Illumina
Classification: Benign for Hypophosphatasia. Last evaluated: 2018-01-13. Review status: criteria provided, single submitter. Criteria: ICSL Variant Classification Criteria 13 December 2019. Collection method: clinical testing. Allele origin: germline.
Comment: This variant was observed in the ICSL laboratory as part of a predisposition screen in an ostensibly healthy population. It had not been previously curated by ICSL or reported in the Human Gene Mutation Database (HGMD: prior to June 1st, 2018), and was therefore a candidate for classification through an automated scoring system. Utilizing variant allele frequency, disease prevalence and penetrance estimates, and inheritance mode, an automated score was calculated to assess if this variant is too frequent to cause the disease. Based on the score and internal cut-off values, a variant classified as benign is not then subjected to further curation. The score for this variant resulted in a classification of benign for this disease.

Breakthrough Genomics
Classification: Benign. Review status: criteria provided, single submitter. Criteria: ACMG Guidelines, 2015. Collection method: not provided. Allele origin: germline. Inheritance: Autosomal recessive inheritance. Affected: yes.

NM_000478.6(ALPL):c.*65C>T

Gene: ALPL (alkaline phosphatase, biomineralization associated; plus strand). Cytogenetic location: 1p36.12.
Variant type: single nucleotide variant.
Coding change: c.*65C>T on transcript NM_000478.6 (MANE Select); 65 bases downstream of the stop codon, C replaced by T.
Molecular consequence: 3 prime UTR variant.
Genome position (GRCh38, 1-based): chr1:21,577,713, C>T. VCF-style: chr1-21577713-C-T. GRCh37 (hg19) VCF-style: chr1-21904206-C-T.
Other names: c.*65C>T (NM_001127501.4, NM_001177520.3, NM_001369803.2 and 2 more transcripts).
Identifiers: ClinVar variation 295558 (VCV000295558.8), dbSNP rs1697405, ClinGen allele CA10609107.